The following is an entry in ClinVar:

ClinVar aggregate classification (germline): Conflicting classifications of pathogenicity. Review status: criteria provided, conflicting classifications (1 of 4 stars). 5 submissions from 5 submitters: Likely pathogenic (4); Uncertain significance (1). Last evaluated 2025-06-27.

Conditions:
ALG1-congenital disorder of glycosylation. Also called: ALG1-CDG; CONGENITAL DISORDER OF GLYCOSYLATION, TYPE Ik; CDG Ik. Identifiers: Orphanet 79327, MedGen C2931005, MONDO:0012052, OMIM 608540.

Allele frequency attached by ClinVar (database versions not stated): gnomAD exomes below 0.00001; TOPMed below 0.00001; gnomAD 0.00001.

Submissions (5):

Dasa
Classification: Uncertain significance. Last evaluated: 2025-06-27. Review status: criteria provided, single submitter. Criteria: DASA Assertion Criteria. Collection method: clinical testing. Allele origin: germline.
Comment: NM_019109.5(ALG1):c.901+1G>A affects a canonical splice site and is predicted to disrupt normal RNA splicing. This variant is rare in population databases. The currently available literature and clinical evidence are not sufficient to establish a definitive association between this variant and the reported condition. Therefore, this variant is classified as a variant of uncertain significance.

Laboratory of Genetics, Children's Clinical University Hospital Latvia
Classification: Likely pathogenic. Last evaluated: 2025-02-16. Review status: criteria provided, single submitter. Criteria: ACMG Guidelines, 2015. Collection method: clinical testing. Allele origin: germline. Affected: yes.

Labcorp Genetics (formerly Invitae), Labcorp
Classification: Likely pathogenic for ALG1-congenital disorder of glycosylation. Last evaluated: 2024-10-15. Review status: criteria provided, single submitter. Criteria: Invitae Variant Classification Sherloc (09022015). Collection method: clinical testing. Allele origin: germline.
Comment: This sequence change affects a donor splice site in intron 8 of the ALG1 gene. It is expected to disrupt RNA splicing. Variants that disrupt the donor or acceptor splice site typically lead to a loss of protein function (PMID: 16199547), and loss-of-function variants in ALG1 are known to be pathogenic (PMID: 20679665, 23806237). This variant is not present in population databases (gnomAD no frequency). This variant has not been reported in the literature in individuals affected with ALG1-related conditions. ClinVar contains an entry for this variant (Variation ID: 1510345). Algorithms developed to predict the effect of sequence changes on RNA splicing suggest that this variant may disrupt the consensus splice site. In summary, the currently available evidence indicates that the variant is pathogenic, but additional data are needed to prove that conclusively. Therefore, this variant has been classified as Likely Pathogenic.

Fulgent Genetics
Classification: Likely pathogenic for ALG1-congenital disorder of glycosylation. Last evaluated: 2024-03-19. Review status: criteria provided, single submitter. Criteria: ACMG Guidelines, 2015. Collection method: clinical testing. Allele origin: germline.

Women's Health and Genetics/Laboratory Corporation of America, LabCorp
Classification: Likely pathogenic for ALG1-congenital disorder of glycosylation. Last evaluated: 2023-08-09. Review status: criteria provided, single submitter. Criteria: LabCorp Variant Classification Summary - May 2015. Collection method: clinical testing. Allele origin: germline.
Comment: Variant summary: ALG1 c.901+1G>A is located in a canonical splice-site and is predicted to affect mRNA splicing resulting in a significantly altered protein due to either exon skipping, shortening, or inclusion of intronic material. Several computational tools predict a significant impact on normal splicing: Four predict the variant abolishes a 5' splicing donor site. One predict the variant strengthens a cryptic 5' donor site. However, these predictions have yet to be confirmed by functional studies. The variant was absent in 227090 control chromosomes. To our knowledge, no occurrence of c.901+1G>A in individuals affected with Congenital Disorder Of Glycosylation Type 1K and no experimental evidence demonstrating its impact on protein function have been reported. One submitter has cited clinical-significance assessments for this variant to ClinVar after 2014 and has classified the variant as likely pathogenic. Based on the evidence outlined above, the variant was classified as likely pathogenic.

Literature cited by the submitters: PubMed 16199547 (cited by Labcorp Genetics (formerly Invitae), Labcorp); PubMed 20679665 (cited by Labcorp Genetics (formerly Invitae), Labcorp); PubMed 23806237 (cited by Labcorp Genetics (formerly Invitae), Labcorp).

NM_019109.5(ALG1):c.901+1G>A

Gene: ALG1 (ALG1 chitobiosyldiphosphodolichol beta-mannosyltransferase; plus strand). Cytogenetic location: 16p13.3.
Variant type: single nucleotide variant.
Coding change: c.901+1G>A on transcript NM_019109.5 (MANE Select); the canonical splice donor site of the intron after coding-DNA position 901, G replaced by A.
Molecular consequence: splice donor variant.
Genome position (GRCh38, 1-based): chr16:5,079,103, G>A. VCF-style: chr16-5079103-G-A. GRCh37 (hg19) VCF-style: chr16-5129104-G-A.
Other names: c.568+1G>A (NM_001330504.2); c.901+1G>A (NM_019109.4).
Identifiers: ClinVar variation 1510345 (VCV001510345.11), dbSNP rs1227251669, ClinGen allele CA394681994.
Genomic context (GRCh38, chr16:5,079,103, plus strand): 5'-CATTCAATTCTCTTCTCATAGAGGACGAAGACTTCTCCATCCTGCTGGCAGCTTTAGAAA[G>A]TAGGTGTGTGGCTGCGGTGAGGAGCTCTGGGCTTGTCGGGGGCCACTGAGCTGTAAGCTG-3'